The following is an entry in ClinVar:

NM_006073.4(TRDN):c.9G>C (p.Glu3Asp)

Gene: TRDN (triadin; minus strand). Cytogenetic location: 6q22.31.
Variant type: single nucleotide variant.
Coding change: c.9G>C on transcript NM_006073.4 (MANE Select); coding-DNA position 9, G replaced by C.
Protein change: p.Glu3Asp; replaces glutamic acid 3 with aspartic acid.
Molecular consequence: missense variant.
Genome position (GRCh38, 1-based): chr6:123,636,767, C>G on the plus strand (G>C on the coding strand, the complement: TRDN is on the minus strand). VCF-style: chr6-123636767-C-G. GRCh37 (hg19) VCF-style: chr6-123957912-C-G.
Other names: c.9G>C, p.Glu3Asp (NM_001251987.2, NM_001256020.2, NM_001256021.2 and 1 more transcripts); short protein forms E3D.
Identifiers: ClinVar variation 1473722 (VCV001473722.7), dbSNP rs1185669572, ClinGen allele CA365567992.

ClinVar aggregate classification (germline): Uncertain significance (1 of 4 stars; one submission).

Conditions:
Catecholaminergic polymorphic ventricular tachycardia 1. Also called: VENTRICULAR TACHYCARDIA, CATECHOLAMINERGIC POLYMORPHIC, 1, WITH OR WITHOUT ATRIAL DYSFUNCTION AND/OR DILATED CARDIOMYOPATHY; RYR2-Related Catecholaminergic Polymorphic Ventricular Tachycardia; VENTRICULAR TACHYCARDIA, STRESS-INDUCED POLYMORPHIC 1. Identifiers: Orphanet 3286, MedGen C1631597, MONDO:0011484, OMIM 604772.

Submission:

Labcorp Genetics (formerly Invitae), Labcorp
Classification: Uncertain significance for Catecholaminergic polymorphic ventricular tachycardia 1. Last evaluated: 2022-07-12. Review status: criteria provided, single submitter. Criteria: Invitae Variant Classification Sherloc (09022015). Collection method: clinical testing. Allele origin: germline.
Comment: In summary, the available evidence is currently insufficient to determine the role of this variant in disease. Therefore, it has been classified as a Variant of Uncertain Significance. Algorithms developed to predict the effect of missense changes on protein structure and function are either unavailable or do not agree on the potential impact of this missense change (SIFT: "Tolerated"; PolyPhen-2: "Not Available"; Align-GVGD: "Class C0"). ClinVar contains an entry for this variant (Variation ID: 1473722). This variant has not been reported in the literature in individuals affected with TRDN-related conditions. This variant is not present in population databases (gnomAD no frequency). This sequence change replaces glutamic acid, which is acidic and polar, with aspartic acid, which is acidic and polar, at codon 3 of the TRDN protein (p.Glu3Asp).